The following is an entry in ClinVar:

ClinVar aggregate classification (germline): Pathogenic (1 of 4 stars; one submission).

Conditions:
Peutz-Jeghers syndrome (PJS). Also called: POLYPOSIS, HAMARTOMATOUS INTESTINAL; POLYPS-AND-SPOTS SYNDROME; Peutz-Jeghers polyposis; Periorificial lentiginosis syndrome. Identifiers: Orphanet 2869, MedGen C0031269, MeSH D010580, MONDO:0008280, OMIM 175200.

Submission:

Labcorp Genetics (formerly Invitae), Labcorp
Classification: Pathogenic for Peutz-Jeghers syndrome. Last evaluated: 2020-08-10. Review status: criteria provided, single submitter. Criteria: Invitae Variant Classification Sherloc (09022015). Collection method: clinical testing. Allele origin: germline.
Comment: This variant has not been reported in the literature in individuals with STK11-related conditions. This sequence change creates a premature translational stop signal (p.Leu263*) in the STK11 gene. It is expected to result in an absent or disrupted protein product. This variant is not present in population databases (ExAC no frequency). Loss-of-function variants in STK11 are known to be pathogenic (PMID: 15188174, 16287113). For these reasons, this variant has been classified as Pathogenic.

Literature cited by the submitters: PubMed 15188174; PubMed 16287113.

NM_000455.5(STK11):c.788T>A (p.Leu263Ter)

Gene: STK11 (serine/threonine kinase 11; plus strand). Cytogenetic location: 19p13.3.
Variant type: single nucleotide variant.
Coding change: c.788T>A on transcript NM_000455.5 (MANE Select); coding-DNA position 788, T replaced by A.
Protein change: p.Leu263Ter; replaces leucine 263 with a stop codon.
Molecular consequence: nonsense.
Genome position (GRCh38, 1-based): chr19:1,221,266, T>A. VCF-style: chr19-1221266-T-A. GRCh37 (hg19) VCF-style: chr19-1221265-T-A.
Other names: short protein forms L263*.
Identifiers: ClinVar variation 1072061 (VCV001072061.7), dbSNP rs1226608647, ClinGen allele CA402950503.
Genomic context (GRCh38, chr19:1,221,266, plus strand): 5'-AATGAAGCTACAACATCACCACGGGTCTGTACCCCTTCGAAGGGGACAACATCTACAAGT[T>A]GTTTGAGAACATCGGGAAGGGGAGCTACGCCATCCCGGGCGACTGTGGCCCCCCGCTCTC-3'